The following is an entry in ClinVar:

ClinVar aggregate classification (germline): Uncertain significance. Review status: criteria provided, multiple submitters, no conflicts (2 of 4 stars). 3 submissions from 3 submitters: Uncertain significance (3). Last evaluated 2024-02-20.

Conditions:
Hereditary cancer-predisposing syndrome. Also called: Hereditary neoplastic syndrome; Hereditary Cancer Syndrome; Neoplastic Syndromes, Hereditary; Tumor predisposition. Identifiers: Orphanet 140162, MedGen C0027672, MeSH D009386, MONDO:0015356.
Familial cancer of breast. Also called: Hereditary breast cancer; BREAST CANCER, FAMILIAL; hereditary breast carcinoma. Identifiers: Orphanet 227535, MedGen C0346153, MONDO:0016419, OMIM 114480. Disease mechanism: loss of function.
Fanconi anemia complementation group J. Also called: BRIP1-Related Fanconi Anemia. Identifiers: Orphanet 84, MedGen C1836860, MONDO:0012187, OMIM 609054.

Submissions (3):

Labcorp Genetics (formerly Invitae), Labcorp
Classification: Uncertain significance for Familial cancer of breast; Fanconi anemia complementation group J. Last evaluated: 2024-02-20. Review status: criteria provided, single submitter. Criteria: Invitae Variant Classification Sherloc (09022015). Collection method: clinical testing. Allele origin: germline.
Comment: This sequence change replaces alanine, which is neutral and non-polar, with valine, which is neutral and non-polar, at codon 778 of the BRIP1 protein (p.Ala778Val). This variant is not present in population databases (gnomAD no frequency). This variant has not been reported in the literature in individuals affected with BRIP1-related conditions. ClinVar contains an entry for this variant (Variation ID: 949079). Advanced modeling of protein sequence and biophysical properties (such as structural, functional, and spatial information, amino acid conservation, physicochemical variation, residue mobility, and thermodynamic stability) has been performed at Invitae for this missense variant, however the output from this modeling did not meet the statistical confidence thresholds required to predict the impact of this variant on BRIP1 protein function. In summary, the available evidence is currently insufficient to determine the role of this variant in disease. Therefore, it has been classified as a Variant of Uncertain Significance.

Blueprint Genetics
Classification: Uncertain significance. Last evaluated: 2023-06-16. Review status: criteria provided, single submitter. Criteria: ACMG Guidelines, 2015. Collection method: clinical testing. Allele origin: germline.

Ambry Genetics
Classification: Uncertain significance for Hereditary cancer-predisposing syndrome. Last evaluated: 2022-04-24. Review status: criteria provided, single submitter. Criteria: Ambry Variant Classification Scheme 2023. Collection method: clinical testing. Allele origin: germline.
Comment: The p.A778V variant (also known as c.2333C>T), located in coding exon 15 of the BRIP1 gene, results from a C to T substitution at nucleotide position 2333. The alanine at codon 778 is replaced by valine, an amino acid with similar properties. This amino acid position is conserved. In addition, the in silico prediction for this alteration is inconclusive. Since supporting evidence is limited at this time, the clinical significance of this alteration remains unclear.

NM_032043.3(BRIP1):c.2333C>T (p.Ala778Val)

Gene: BRIP1 (BRCA1 interacting DNA helicase 1; minus strand). Cytogenetic location: 17q23.2.
Variant type: single nucleotide variant.
Coding change: c.2333C>T on transcript NM_032043.3 (MANE Select); coding-DNA position 2333, C replaced by T.
Protein change: p.Ala778Val; replaces alanine 778 with valine.
Molecular consequence: missense variant.
Genome position (GRCh38, 1-based): chr17:61,743,059, G>A on the plus strand (C>T on the coding strand, the complement: BRIP1 is on the minus strand). VCF-style: chr17-61743059-G-A. GRCh37 (hg19) VCF-style: chr17-59820420-G-A.
Other names: short protein forms A778V.
Identifiers: ClinVar variation 949079 (VCV000949079.14), dbSNP rs2077006983, ClinGen allele CA400482613.